The following is an entry in ClinVar:

ClinVar aggregate classification (germline): Uncertain significance (1 of 4 stars; one submission).

Submission:

Labcorp Genetics (formerly Invitae), Labcorp
Classification: Uncertain significance. Last evaluated: 2022-10-25. Review status: criteria provided, single submitter. Criteria: Invitae Variant Classification Sherloc (09022015). Collection method: clinical testing. Allele origin: germline.
Comment: This sequence change replaces serine, which is neutral and polar, with glycine, which is neutral and non-polar, at codon 1271 of the TRPM1 protein (p.Ser1271Gly). In summary, the available evidence is currently insufficient to determine the role of this variant in disease. Therefore, it has been classified as a Variant of Uncertain Significance. Algorithms developed to predict the effect of missense changes on protein structure and function output the following: SIFT: "Tolerated"; PolyPhen-2: "Benign"; Align-GVGD: "Class C0". The glycine amino acid residue is found in multiple mammalian species, which suggests that this missense change does not adversely affect protein function. ClinVar contains an entry for this variant (Variation ID: 1368997). This variant has not been reported in the literature in individuals affected with TRPM1-related conditions. This variant is not present in population databases (gnomAD no frequency).

NM_001252024.2(TRPM1):c.3877A>G (p.Ser1293Gly)

Gene: TRPM1 (transient receptor potential cation channel subfamily M member 1; minus strand). Cytogenetic location: 15q13.3.
Variant type: single nucleotide variant.
Coding change: c.3877A>G on transcript NM_001252024.2 (MANE Select); coding-DNA position 3877, A replaced by G.
Protein change: p.Ser1293Gly; replaces serine 1293 with glycine.
Molecular consequence: missense variant.
Genome position (GRCh38, 1-based): chr15:31,002,823, T>C on the plus strand (A>G on the coding strand, the complement: TRPM1 is on the minus strand). VCF-style: chr15-31002823-T-C. GRCh37 (hg19) VCF-style: chr15-31295026-T-C.
Other names: c.3928A>G, p.Ser1310Gly (NM_001252020.2); c.3811A>G, p.Ser1271Gly (NM_002420.6); short protein forms S1293G, S1271G, S1310G.
Identifiers: ClinVar variation 1368997 (VCV001368997.8), dbSNP rs2141100383, ClinGen allele CA391530751.